The following is an entry in ClinVar:

ClinVar aggregate classification (germline): Likely pathogenic (1 of 4 stars; one submission).

Conditions:
Familial intrahepatic cholestasis. Identifiers: Orphanet 284385, MedGen CN296401, MONDO:0017290.
Low phospholipid associated cholelithiasis (GBD1). Also called: Gallbladder disease 1; Gallstone cholecystitis. Identifiers: Orphanet 69663, MedGen C2609268, MONDO:0010939, OMIM 600803.

Submission:

Genomenon, Inc
Classification: Likely pathogenic for Familial intrahepatic cholestasis; Low phospholipid associated cholelithiasis. Last evaluated: 2026-04-14. Review status: criteria provided, single submitter. Criteria: Genomenon Sequence Variant Interpretation Standards - Updated. Collection method: curation. Allele origin: germline. Affected: yes.
Comment: ABCB4 p.Gly384Arg (c.1150G>C) is a missense variant that changes the amino acid at residue 384 from Glycine to Arginine. This variant has been observed in at least one proband with an ABCB4-related disorder (PMID:38610052;20537830). It has been observed in trans with a pathogenic or likely pathogenic variant (PMID:38610052). It is absent or not present at a significant frequency in gnomAD. In silico models predict that this variant is possibly or probably damaging. In conclusion, we classify ABCB4 p.Gly384Arg (c.1150G>C) as a likely pathogenic variant.

Literature cited by the submitters: PubMed 38610052; PubMed 20537830.

NM_000443.4(ABCB4):c.1150G>C (p.Gly384Arg)

Gene: ABCB4 (ATP binding cassette subfamily B member 4; minus strand). Cytogenetic location: 7q21.12.
Variant type: single nucleotide variant.
Coding change: c.1150G>C on transcript NM_000443.4 (MANE Select); coding-DNA position 1150, G replaced by C.
Protein change: p.Gly384Arg; replaces glycine 384 with arginine.
Molecular consequence: missense variant.
Genome position (GRCh38, 1-based): chr7:87,443,743, C>G on the plus strand (G>C on the coding strand, the complement: ABCB4 is on the minus strand). VCF-style: chr7-87443743-C-G. GRCh37 (hg19) VCF-style: chr7-87073059-C-G.
Other names: c.1150G>C, p.Gly384Arg (NM_018849.3, NM_018850.3); short protein forms G384R.
Identifiers: ClinVar variation 4846468 (VCV004846468.1).